The following is an entry in ClinVar:

NM_001365951.3(KIF1B):c.1680A>G (p.Gln560=)

Gene: KIF1B (kinesin family member 1B; plus strand). Cytogenetic location: 1p36.22.
Variant type: single nucleotide variant.
Coding change: c.1680A>G on transcript NM_001365951.3 (MANE Select); coding-DNA position 1680, A replaced by G.
Protein change: p.Gln560=; no amino-acid change (glutamine 560 retained).
Molecular consequence: synonymous variant.
Genome position (GRCh38, 1-based): chr1:10,295,669, A>G. VCF-style: chr1-10295669-A-G. GRCh37 (hg19) VCF-style: chr1-10355727-A-G.
Other names: c.1680A>G, p.Gln560= (NM_001365952.1); c.1542A>G, p.Gln514= (NM_001365953.1, NM_015074.3, NM_183416.4).
Identifiers: ClinVar variation 240954 (VCV000240954.37), dbSNP rs765720258, ClinGen allele CA581052.
Genomic context (GRCh38, chr1:10,295,669, plus strand): 5'-AGTGCTTTCTGTGTCTGAATTTCCCTGGGAAACACTTTCTCTTGTGTTCAGGGTTGGCCA[A>G]GCAGATGCTGAGCGGCGCCAGGACATAGTGCTGAGCGGGGCTCACATTAAAGAAGAGCAT-3'
Protein context (NP_001352880.1, residues 550-570): YIKDGITRVG[Gln560=]ADAERRQDIV

ClinVar aggregate classification (germline): Likely benign. Review status: criteria provided, multiple submitters, no conflicts (2 of 4 stars). 4 submissions from 4 submitters: Likely benign (3). 1 of the submissions does not count toward it. Last evaluated 2026-01-28.

Conditions:
KIF1B-related disorder. Also called: KIF1B-related condition.
Charcot-Marie-Tooth disease type 2. Also called: Charcot-Marie-Tooth type 2. Identifiers: Orphanet 64746, MedGen C0270914, MONDO:0018993.

Allele frequency attached by ClinVar (database versions not stated): gnomAD 0.00001; ExAC 0.00002; gnomAD exomes 0.00002 and 0.00004; TOPMed 0.00002.
gnomAD v4.1: 62 of 1,613,626 alleles (0.0038%); highest among the groups gnomAD compares: Non-Finnish European, 0.0048%; no homozygotes.

Submissions (4):

Labcorp Genetics (formerly Invitae), Labcorp
Classification: Likely benign for Charcot-Marie-Tooth disease type 2. Last evaluated: 2026-01-28. Review status: criteria provided, single submitter. Criteria: Invitae Variant Classification Sherloc (09022015). Collection method: clinical testing. Allele origin: germline.

CeGaT Center for Human Genetics Tuebingen
Classification: Likely benign. Last evaluated: 2024-02-01. Review status: criteria provided, single submitter. Criteria: CeGaT Center For Human Genetics Tuebingen Variant Classification Criteria Version 2. Collection method: clinical testing. Allele origin: germline. Affected: yes. Observed: 1 variant allele.
Comment: KIF1B: BP4, BP7

Ambry Genetics
Classification: Likely benign. Last evaluated: 2021-01-20. Review status: criteria provided, single submitter. Criteria: Ambry Variant Classification Scheme 2023. Collection method: clinical testing. Allele origin: germline.

PreventionGenetics, part of Exact Sciences
Classification: Likely benign for KIF1B-related condition. Last evaluated: 2022-10-18. Review status: no assertion criteria provided. Collection method: clinical testing. Allele origin: germline. Not counted in ClinVar's aggregate classification.
Comment: This variant is classified as likely benign based on ACMG/AMP sequence variant interpretation guidelines (Richards et al. 2015 PMID: 25741868, with internal and published modifications).